The following is an entry in ClinVar:

NM_000038.6(APC):c.2891T>G (p.Leu964Ter)

Gene: APC (APC regulator of Wnt signaling pathway; plus strand). Cytogenetic location: 5q22.2.
Variant type: single nucleotide variant.
Coding change: c.2891T>G on transcript NM_000038.6 (MANE Select); coding-DNA position 2891, T replaced by G.
Protein change: p.Leu964Ter; replaces leucine 964 with a stop codon.
Molecular consequence: nonsense. On other transcripts: non-coding transcript variant (2).
Genome position (GRCh38, 1-based): chr5:112,838,485, T>G. VCF-style: chr5-112838485-T-G. GRCh37 (hg19) VCF-style: chr5-112174182-T-G.
Other names: c.2714T>G, p.Leu905Ter (NM_001354901.2, NM_001407453.1); c.2618T>G, p.Leu873Ter (NM_001354902.2); c.2588T>G, p.Leu863Ter (NM_001354903.2, NM_001407459.1, NM_001407460.1 and 1 more transcripts); c.2513T>G, p.Leu838Ter (NM_001354904.2); c.2411T>G, p.Leu804Ter (NM_001354905.2); c.2042T>G, p.Leu681Ter (NM_001354906.2, NM_001407470.1); c.2975T>G, p.Leu992Ter (NM_001407446.1); c.2945T>G, p.Leu982Ter (NM_001407447.1, NM_001407448.1, NM_001407449.1 and 1 more transcripts); and 11 more; short protein forms L580*, L681*, L804*, L835*, L838*, L863*, L873*, L881*.
Identifiers: ClinVar variation 4071367 (VCV004071367.1).

ClinVar aggregate classification (germline): Pathogenic (1 of 4 stars; one submission).

Conditions:
Familial adenomatous polyposis 1 (FAP1). Also called: FAMILIAL ADENOMATOUS POLYPOSIS 1, ATTENUATED; POLYPOSIS, ADENOMATOUS INTESTINAL. Identifiers: MedGen C2713442, MONDO:0021056, OMIM 175100. Disease mechanism: loss of function.

Submission:

Myriad Genetics, Inc.
Classification: Pathogenic for Familial adenomatous polyposis 1. Last evaluated: 2025-04-28. Review status: criteria provided, single submitter. Criteria: Myriad Autosomal Dominant, Autosomal Recessive and X-Linked Classification Criteria (2023). Collection method: clinical testing. Allele origin: unknown.
Comment: This variant is considered pathogenic. This variant creates a termination codon and is predicted to result in premature protein truncation.